The following is an entry in ClinVar:

NM_001365536.1(SCN9A):c.-42T>C

Gene: SCN9A (sodium voltage-gated channel alpha subunit 9; minus strand). Cytogenetic location: 2q24.3.
Variant type: single nucleotide variant.
Coding change: c.-42T>C on transcript NM_001365536.1 (MANE Select); 42 bases upstream of the start codon, T replaced by C.
Molecular consequence: 5 prime UTR variant.
Genome position (GRCh38, 1-based): chr2:166,311,798, A>G on the plus strand (T>C on the coding strand, the complement: SCN9A is on the minus strand). VCF-style: chr2-166311798-A-G. GRCh37 (hg19) VCF-style: chr2-167168308-A-G.
Other names: c.-42T>C (NM_002977.4).
Identifiers: ClinVar variation 894402 (VCV000894402.4), dbSNP rs201915876, ClinGen allele CA1944918.

ClinVar aggregate classification (germline): Conflicting classifications of pathogenicity. Review status: criteria provided, conflicting classifications (1 of 4 stars). 3 submissions from 1 submitter: Uncertain significance (1); Benign (1); Likely benign (1). Last evaluated 2018-01-13.

Conditions:
Channelopathy-associated congenital insensitivity to pain, autosomal recessive. Also called: Insensitivity to pain, channelopathy-associated; ASYMBOLIA FOR PAIN; CONGENITAL ANALGESIA, AUTOSOMAL RECESSIVE. Identifiers: Orphanet 88642, Orphanet 970, MedGen C1855739, MONDO:0009459, OMIM 243000.
Primary erythromelalgia. Also called: SCN9A Erythromelalgia (SCN9A-EM); primary erythermalgia. Identifiers: Orphanet 306577, Orphanet 90026, MedGen C0014805, MONDO:0007571, OMIM 133020.
Paroxysmal extreme pain disorder (PEXPD). Also called: PAIN, SUBMANDIBULAR, OCULAR, AND RECTAL, WITH FLUSHING; RECTAL PAIN, FAMILIAL; SCN9A Paroxysmal Extreme Pain Disorder (SCN9A-PEPD). Identifiers: Orphanet 46348, MedGen C1833661, MONDO:0008179, OMIM 167400.

Allele frequency attached by ClinVar (database versions not stated): ExAC 0.00002; gnomAD exomes 0.00002 and 0.00003; gnomAD 0.00003 and 0.00004; TOPMed 0.00003.
gnomAD v4.1: 48 of 1,523,720 alleles (0.0032%); highest among the groups gnomAD compares: Middle Eastern, 0.018%; no homozygotes.

Submissions (3):

Illumina Laboratory Services, Illumina
Classification: Likely benign for Primary erythromelalgia. Last evaluated: 2018-01-13. Review status: criteria provided, single submitter. Criteria: ICSL Variant Classification Criteria 13 December 2019. Collection method: clinical testing. Allele origin: germline.
Comment: This variant was observed in the ICSL laboratory as part of a predisposition screen in an ostensibly healthy population. It had not been previously curated by ICSL or reported in the Human Gene Mutation Database (HGMD: prior to June 1st, 2018), and was therefore a candidate for classification through an automated scoring system. Utilizing variant allele frequency, disease prevalence and penetrance estimates, and inheritance mode, an automated score was calculated to assess if this variant is too frequent to cause the disease. Based on the score and internal cut-off values, a variant classified as likely benign is not then subjected to further curation. The score for this variant resulted in a classification of likely benign for this disease.

Illumina Laboratory Services, Illumina
Classification: Uncertain significance for Channelopathy-associated congenital insensitivity to pain, autosomal recessive. Last evaluated: 2018-01-13. Review status: criteria provided, single submitter. Criteria: ICSL Variant Classification Criteria 13 December 2019. Collection method: clinical testing. Allele origin: germline.

Illumina Laboratory Services, Illumina
Classification: Benign for Paroxysmal extreme pain disorder. Last evaluated: 2018-01-13. Review status: criteria provided, single submitter. Criteria: ICSL Variant Classification Criteria 13 December 2019. Collection method: clinical testing. Allele origin: germline.
Comment: This variant was observed in the ICSL laboratory as part of a predisposition screen in an ostensibly healthy population. It had not been previously curated by ICSL or reported in the Human Gene Mutation Database (HGMD: prior to June 1st, 2018), and was therefore a candidate for classification through an automated scoring system. Utilizing variant allele frequency, disease prevalence and penetrance estimates, and inheritance mode, an automated score was calculated to assess if this variant is too frequent to cause the disease. Based on the score and internal cut-off values, a variant classified as benign is not then subjected to further curation. The score for this variant resulted in a classification of benign for this disease.